The following is an entry in ClinVar:

NM_001374828.1(ARID1B):c.3458G>T (p.Ser1153Ile)

Gene: ARID1B (AT-rich interaction domain 1B; plus strand). Cytogenetic location: 6q25.3.
Variant type: single nucleotide variant.
Coding change: c.3458G>T on transcript NM_001374828.1 (MANE Select); coding-DNA position 3458, G replaced by T.
Protein change: p.Ser1153Ile; replaces serine 1153 with isoleucine.
Molecular consequence: missense variant. On other transcripts: intron variant (3).
Genome position (GRCh38, 1-based): chr6:157,174,959, G>T. VCF-style: chr6-157174959-G-T. GRCh37 (hg19) VCF-style: chr6-157496093-G-T.
Other names: c.959G>T, p.Ser320Ile (NM_001363725.2); c.3384+842G>T (NM_001371656.1, NM_001374820.1); c.3345+842G>T (NM_017519.3); short protein forms S1153I, S320I.
Identifiers: ClinVar variation 3362148 (VCV003362148.1).

ClinVar aggregate classification (germline): Uncertain significance (1 of 4 stars; one submission).

gnomAD v4.1: 4 of 1,531,356 alleles (0.00026%); highest among the groups gnomAD compares: Non-Finnish European, 0.00035%; no homozygotes.

Submission:

GeneDx
Classification: Uncertain significance. Last evaluated: 2023-06-01. Review status: criteria provided, single submitter. Criteria: GeneDx Variant Classification Process June 2021. Collection method: clinical testing. Allele origin: germline. Affected: yes.
Comment: Not observed at significant frequency in large population cohorts (gnomAD); In silico analysis supports a deleterious effect on protein structure/function; Has not been previously published as pathogenic or benign to our knowledge; Reported using an alternate transcript of the gene